The following is an entry in ClinVar:

NM_025137.4(SPG11):c.733A>C (p.Met245Leu)

Gene: SPG11 (SPG11 vesicle trafficking associated, spatacsin; minus strand). Cytogenetic location: 15q21.1.
Variant type: single nucleotide variant.
Coding change: c.733A>C on transcript NM_025137.4 (MANE Select); coding-DNA position 733, A replaced by C.
Protein change: p.Met245Leu; replaces methionine 245 with leucine.
Molecular consequence: missense variant.
Genome position (GRCh38, 1-based): chr15:44,657,231, T>G on the plus strand (A>C on the coding strand, the complement: SPG11 is on the minus strand). VCF-style: chr15-44657231-T-G. GRCh37 (hg19) VCF-style: chr15-44949429-T-G.
Other names: c.733A>C, p.Met245Leu (NM_001160227.2, NM_001411132.1); short protein forms M245L.
Identifiers: ClinVar variation 2176875 (VCV002176875.1), dbSNP rs863224796, ClinGen allele CA392237407.
Genomic context (GRCh38, chr15:44,657,231, plus strand): 5'-AAACTTTCAGTGAAGTAAATGAAGAAATCTTGGCTGGCTCCTGTTGCTGCTCATTACACA[T>G]GTCTTCTTTGTGAAGTGCTAAATCCACATGAGCTACATATGTACCATCCACAACATCAAA-3'
Protein context (NP_079413.3, residues 235-255): HVDLALHKED[Met245Leu]CNEQQQEPAK

ClinVar aggregate classification (germline): Uncertain significance (1 of 4 stars; one submission).

Conditions:
Hereditary spastic paraplegia 11. Also called: SPASTIC PARAPLEGIA, AUTOSOMAL RECESSIVE, COMPLICATED, WITH THIN CORPUS CALLOSUM; SPASTIC PARAPLEGIA, AUTOSOMAL RECESSIVE, WITH MENTAL IMPAIRMENT AND THIN CORPUS CALLOSUM; Spastic Paraplegia 11; Nakamura Osame syndrome; Autosomal recessive hereditary spastic paraplegia, mental impairment, and thin corpus callosum; Spastic paraplegia, mental retardation and thin corpus callosum. Identifiers: Orphanet 2822, MedGen C1858479, MONDO:0011445, OMIM 604360.

Allele frequency attached by ClinVar (database versions not stated): TOPMed 0.00001.
gnomAD v4.1: 4 of 1,613,898 alleles (0.00025%); highest among the groups gnomAD compares: Non-Finnish European, 0.00034%; no homozygotes.

Submission:

Labcorp Genetics (formerly Invitae), Labcorp
Classification: Uncertain significance for Hereditary spastic paraplegia 11. Last evaluated: 2022-07-11. Review status: criteria provided, single submitter. Criteria: Invitae Variant Classification Sherloc (09022015). Collection method: clinical testing. Allele origin: germline.
Comment: This sequence change replaces methionine, which is neutral and non-polar, with leucine, which is neutral and non-polar, at codon 245 of the SPG11 protein (p.Met245Leu). This variant is not present in population databases (gnomAD no frequency). This variant has not been reported in the literature in individuals affected with SPG11-related conditions. Algorithms developed to predict the effect of missense changes on protein structure and function output the following: SIFT: "Tolerated"; PolyPhen-2: "Benign"; Align-GVGD: "Class C0". The leucine amino acid residue is found in multiple mammalian species, which suggests that this missense change does not adversely affect protein function. In summary, the available evidence is currently insufficient to determine the role of this variant in disease. Therefore, it has been classified as a Variant of Uncertain Significance.